The following is an entry in ClinVar:

NM_014363.6(SACS):c.13352T>C (p.Leu4451Pro)

Gene: SACS (sacsin molecular chaperone; minus strand). Cytogenetic location: 13q12.12.
Variant type: single nucleotide variant.
Coding change: c.13352T>C on transcript NM_014363.6 (MANE Select); coding-DNA position 13352, T replaced by C.
Protein change: p.Leu4451Pro; replaces leucine 4451 with proline.
Molecular consequence: missense variant.
Genome position (GRCh38, 1-based): chr13:23,330,524, A>G on the plus strand (T>C on the coding strand, the complement: SACS is on the minus strand). VCF-style: chr13-23330524-A-G. GRCh37 (hg19) VCF-style: chr13-23904663-A-G.
Other names: c.12911T>C, p.Leu4304Pro (NM_001278055.2); short protein forms L4304P, L4451P.
Identifiers: ClinVar variation 2194108 (VCV002194108.5), dbSNP rs1883396243, ClinGen allele CA387505450.

ClinVar aggregate classification (germline): Likely pathogenic. Review status: criteria provided, multiple submitters, no conflicts (2 of 4 stars). 2 submissions from 2 submitters: Likely pathogenic (2). Last evaluated 2023-12-07.

Conditions:
Spastic paraplegia. Identifiers: MedGen C0037772, HP:0001258.
Charlevoix-Saguenay spastic ataxia (SACS). Also called: AUTOSOMAL RECESSIVE SPASTIC ATAXIA OF CHARLEVOIX-SAGUENAY; Spastic ataxia of Charlevoix-Saguenay; SPASTIC ATAXIA 6, AUTOSOMAL RECESSIVE. Identifiers: Orphanet 98, MedGen C1849140, MONDO:0010041, OMIM 270550.

Allele frequency attached by ClinVar (database versions not stated): gnomAD exomes below 0.00001; TOPMed below 0.00001.
gnomAD v4.1: 2 of 1,614,204 alleles (0.00012%); highest among the groups gnomAD compares: Non-Finnish European, 0.00017%; no homozygotes.

Submissions (2):

Baylor Genetics
Classification: Likely pathogenic for Charlevoix-Saguenay spastic ataxia. Last evaluated: 2023-12-07. Review status: criteria provided, single submitter. Criteria: ACMG Guidelines, 2015. Collection method: clinical testing. Allele origin: unknown.

Labcorp Genetics (formerly Invitae), Labcorp
Classification: Likely pathogenic for Spastic paraplegia. Last evaluated: 2022-03-30. Review status: criteria provided, single submitter. Criteria: Invitae Variant Classification Sherloc (09022015). Collection method: clinical testing. Allele origin: germline.
Comment: In summary, the currently available evidence indicates that the variant is pathogenic, but additional data are needed to prove that conclusively. Therefore, this variant has been classified as Likely Pathogenic. Algorithms developed to predict the effect of missense changes on protein structure and function are either unavailable or do not agree on the potential impact of this missense change (SIFT: "Deleterious"; PolyPhen-2: "Probably Damaging"; Align-GVGD: "Class C0"). This missense change has been observed in individuals with autosomal recessive spastic ataxia of Charlevoix-Saguenay (PMID: 23785480, 26288984). It has also been observed to segregate with disease in related individuals. This variant is not present in population databases (gnomAD no frequency). This sequence change replaces leucine, which is neutral and non-polar, with proline, which is neutral and non-polar, at codon 4451 of the SACS protein (p.Leu4451Pro).

Literature cited by the submitters: PubMed 23785480 (cited by Labcorp Genetics (formerly Invitae), Labcorp); PubMed 26288984 (cited by Labcorp Genetics (formerly Invitae), Labcorp).